The following is an entry in ClinVar:

NM_014165.4(NDUFAF4):c.344C>G (p.Ser115Cys)

Gene: NDUFAF4 (NADH:ubiquinone oxidoreductase complex assembly factor 4; minus strand). Cytogenetic location: 6q16.1.
Variant type: single nucleotide variant.
Coding change: c.344C>G on transcript NM_014165.4 (MANE Select); coding-DNA position 344, C replaced by G.
Protein change: p.Ser115Cys; replaces serine 115 with cysteine.
Molecular consequence: missense variant.
Genome position (GRCh38, 1-based): chr6:96,891,288, G>C on the plus strand (C>G on the coding strand, the complement: NDUFAF4 is on the minus strand). VCF-style: chr6-96891288-G-C. GRCh37 (hg19) VCF-style: chr6-97339164-G-C.
Other names: short protein forms S115C.
Identifiers: ClinVar variation 2112430 (VCV002112430.4), dbSNP rs768077035, ClinGen allele CA3931397.
Genomic context (GRCh38, chr6:96,891,288, plus strand): 5'-GCAGTCCAGGTTTCTGGGAAAAGCTTATGATTATTGAGAAGTGTCAATGCTTCTACAATG[G>C]AAATTTTGCCTTTGGGAATGCTCTTAATATTTATCATATCAAAATGATGGTCTTTCGGCA-3'
Protein context (NP_054884.1, residues 105-125): NIKSIPKGKI[Ser115Cys]IVEALTLLNN

ClinVar aggregate classification (germline): Uncertain significance (1 of 4 stars; one submission).

Allele frequency attached by ClinVar (database versions not stated): gnomAD exomes 0.00001; TOPMed 0.00001; gnomAD 0.00002; ExAC 0.00001.
gnomAD v4.1: 11 of 1,613,626 alleles (0.00068%); highest among the groups gnomAD compares: Non-Finnish European, 0.00093%; no homozygotes.

Submission:

Labcorp Genetics (formerly Invitae), Labcorp
Classification: Uncertain significance. Last evaluated: 2025-11-24. Review status: criteria provided, single submitter. Criteria: Invitae Variant Classification Sherloc (09022015). Collection method: clinical testing. Allele origin: germline.
Comment: This sequence change replaces serine, which is neutral and polar, with cysteine, which is neutral and slightly polar, at codon 115 of the NDUFAF4 protein (p.Ser115Cys). This variant is present in population databases (rs768077035, gnomAD 0.004%). This variant has not been reported in the literature in individuals affected with NDUFAF4-related conditions. ClinVar contains an entry for this variant (Variation ID: 2112430). An algorithm developed to predict the effect of missense changes on protein structure and function (PolyPhen-2) suggests that this variant is likely to be disruptive. In summary, the available evidence is currently insufficient to determine the role of this variant in disease. Therefore, it has been classified as a Variant of Uncertain Significance.